The following is an entry in ClinVar:

NM_022436.3(ABCG5):c.1672C>G (p.Pro558Ala)

Genes: ABCG5 (ATP binding cassette subfamily G member 5; minus strand), DYNC2LI1 (dynein cytoplasmic 2 light intermediate chain 1; plus strand). Cytogenetic location: 2p21.
Variant type: single nucleotide variant.
Coding change: c.1672C>G on transcript NM_022436.3 (MANE Select); coding-DNA position 1672, C replaced by G.
Protein change: p.Pro558Ala; replaces proline 558 with alanine.
Molecular consequence: missense variant. On other transcripts: intron variant (2).
Genome position (GRCh38, 1-based): chr2:43,814,567, G>C on the plus strand (C>G on the coding strand, the complement: ABCG5 is on the minus strand). VCF-style: chr2-43814567-G-C. GRCh37 (hg19) VCF-style: chr2-44041706-G-C.
Other names: p.Pro558Ala; c.*15+4043G>C (NM_001348913.2, NM_001348912.2); short protein forms P558A.
Identifiers: ClinVar variation 1777722 (VCV001777722.4), dbSNP rs772925269, ClinGen allele CA1636193.
Genomic context (GRCh38, chr2:43,814,567, plus strand): 5'-TGACTACAAGAATCTCACTGCAATATTTTTGGAATGTAAAATAACTGATGATTTTAAAAG[G>C]AATGGGCATTTCTTGTATGTTTCTTAAGAAAAAGAAAACAAAAATGAAATTCAGTAGGCT-3'
Protein context (NP_071881.1, residues 548-568): FLRNIQEMPI[Pro558Ala]FKIISYFTFQ

ClinVar aggregate classification (germline): Uncertain significance. Review status: criteria provided, multiple submitters, no conflicts (2 of 4 stars). 2 submissions from 2 submitters: Uncertain significance (2). Last evaluated 2024-09-30.

Conditions:
Cardiovascular phenotype. Identifiers: MedGen CN230736.

Allele frequency attached by ClinVar (database versions not stated): gnomAD exomes below 0.00001; gnomAD 0.00001; TOPMed 0.00003; ExAC 0.00002.
gnomAD v4.1: 5 of 1,601,040 alleles (0.00031%); highest among the groups gnomAD compares: African/African-American, 0.0067%; no homozygotes.

Submissions (2):

Ambry Genetics
Classification: Uncertain significance for Cardiovascular phenotype. Last evaluated: 2024-09-30. Review status: criteria provided, single submitter. Criteria: Ambry Variant Classification Scheme 2023. Collection method: clinical testing. Allele origin: germline.
Comment: The p.P558A variant (also known as c.1672C>G), located in coding exon 12 of the ABCG5 gene, results from a C to G substitution at nucleotide position 1672. The proline at codon 558 is replaced by alanine, an amino acid with highly similar properties. This amino acid position is conserved. In addition, this alteration is predicted to be tolerated by in silico analysis. Since supporting evidence is limited at this time, the clinical significance of this alteration remains unclear.

Mayo Clinic Laboratories, Mayo Clinic
Classification: Uncertain significance. Last evaluated: 2023-06-08. Review status: criteria provided, single submitter. Criteria: ACMG Guidelines, 2015. Collection method: clinical testing. Allele origin: germline. Observed: 1 variant allele.